The following is an entry in ClinVar:

NM_000152.5(GAA):c.859-3C>G

Gene: GAA (alpha glucosidase; plus strand). Cytogenetic location: 17q25.3.
Variant type: single nucleotide variant.
Coding change: c.859-3C>G on transcript NM_000152.5 (MANE Select); 3 bases into the intron before coding-DNA position 859, C replaced by G.
Molecular consequence: intron variant.
Genome position (GRCh38, 1-based): chr17:80,107,797, C>G. VCF-style: chr17-80107797-C-G. GRCh37 (hg19) VCF-style: chr17-78081596-C-G.
Other names: c.859-3C>G (NM_001406741.1, NM_001406742.1, NM_001079803.3 and 1 more transcripts).
Identifiers: ClinVar variation 4876426 (VCV004876426.1).

ClinVar aggregate classification (germline): Uncertain significance (1 of 4 stars; one submission).

Conditions:
Glycogen storage disease, type II (IOPD). Also called: Pompe Disease; CARDIOMEGALIA GLYCOGENICA DIFFUSA; GLYCOGENOSIS, GENERALIZED, CARDIAC FORM; GSD II; POMPE DISEASE, INFANTILE-ONSET; GLYCOGEN STORAGE DISEASE II, INFANTILE-ONSET. Identifiers: Orphanet 365, MedGen C0017921, MONDO:0009290, OMIM 232300.

Submission:

Genomenon, Inc
Classification: Uncertain significance for Glycogen storage disease, type II. Last evaluated: 2026-07-01. Review status: criteria provided, single submitter. Criteria: Genomenon Sequence Variant Interpretation Standards - Updated. Collection method: curation. Allele origin: germline. Affected: no.
Comment: GAA c.859-3C>G is an intronic variant located in the acceptor splice region of intron 4. This variant has been reported in the published literature (PMID:28468868). It is absent or not present at a significant frequency in gnomAD. In silico models predict that this variant is possibly or probably damaging. In conclusion, we classify GAA c.859-3C>G as a variant of uncertain significance.

Literature cited by the submitters: PubMed 28468868.